The following is an entry in ClinVar:

ClinVar aggregate classification (germline): Uncertain significance (1 of 4 stars; one submission).

Submission:

Labcorp Genetics (formerly Invitae), Labcorp
Classification: Uncertain significance. Last evaluated: 2024-02-24. Review status: criteria provided, single submitter. Criteria: Invitae Variant Classification Sherloc (09022015). Collection method: clinical testing. Allele origin: germline.
Comment: This sequence change replaces histidine, which is basic and polar, with arginine, which is basic and polar, at codon 147 of the REEP6 protein (p.His147Arg). This variant is not present in population databases (gnomAD no frequency). This variant has not been reported in the literature in individuals affected with REEP6-related conditions. ClinVar contains an entry for this variant (Variation ID: 2010306). Experimental studies and prediction algorithms are not available or were not evaluated, and the functional significance of this variant is currently unknown. In summary, the available evidence is currently insufficient to determine the role of this variant in disease. Therefore, it has been classified as a Variant of Uncertain Significance.

NM_138393.4(REEP6):c.440A>G (p.His147Arg)

Gene: REEP6 (receptor accessory protein 6; plus strand). Cytogenetic location: 19p13.3.
Variant type: single nucleotide variant.
Coding change: c.440A>G on transcript NM_138393.4 (MANE Select); coding-DNA position 440, A replaced by G.
Protein change: p.His147Arg; replaces histidine 147 with arginine.
Molecular consequence: missense variant.
Genome position (GRCh38, 1-based): chr19:1,496,376, A>G. VCF-style: chr19-1496376-A-G. GRCh37 (hg19) VCF-style: chr19-1496375-A-G.
Other names: c.440A>G, p.His147Arg (NM_001329556.3); short protein forms H147R.
Identifiers: ClinVar variation 2010306 (VCV002010306.4), dbSNP rs1599272706, ClinGen allele CA402993817.
Genomic context (GRCh38, chr19:1,496,376, plus strand): 5'-GGCCCTGGAACGGGGCTCTCATGCTGTATCAGCGCGTCGTGCGTCCGCTGTTCCTAAGGC[A>G]CCACGGGGCCGTAGACAGAATCATGAACGACCTCAGCGGGCGAGCCCTGGACGCGGCGGC-3'
Protein context (NP_612402.1, residues 137-157): QRVVRPLFLR[His147Arg]HGAVDRIMND